The following is an entry in ClinVar:

ClinVar aggregate classification (germline): Likely benign. Review status: criteria provided, multiple submitters, no conflicts (2 of 4 stars). 3 submissions from 3 submitters: Likely benign (2). 1 of the submissions does not count toward it. Last evaluated 2025-07-03.

Conditions:
MYO15A-related disorder. Also called: MYO15A-related condition.

Allele frequency attached by ClinVar (database versions not stated): gnomAD 0.00007; ExAC 0.00009; TOPMed 0.00009; gnomAD exomes 0.00018; ESP Exome Variant Server 0.00024.
gnomAD v4.1: 259 of 1,601,362 alleles (0.016%); highest among the groups gnomAD compares: Non-Finnish European, 0.021%; no homozygotes.

Submissions (3):

Labcorp Genetics (formerly Invitae), Labcorp
Classification: Likely benign. Last evaluated: 2025-07-03. Review status: criteria provided, single submitter. Criteria: Invitae Variant Classification Sherloc (09022015). Collection method: clinical testing. Allele origin: germline.

Blueprint Genetics
Classification: Likely benign. Last evaluated: 2024-08-01. Review status: criteria provided, single submitter. Criteria: ACMG Guidelines, 2015. Collection method: clinical testing. Allele origin: germline.

PreventionGenetics, part of Exact Sciences
Classification: Likely benign for MYO15A-related condition. Last evaluated: 2020-01-06. Review status: no assertion criteria provided. Collection method: clinical testing. Allele origin: germline. Not counted in ClinVar's aggregate classification.
Comment: This variant is classified as likely benign based on ACMG/AMP sequence variant interpretation guidelines (Richards et al. 2015 PMID: 25741868, with internal and published modifications).

NM_016239.4(MYO15A):c.9949-10C>T

Gene: MYO15A (myosin XVA; plus strand). Cytogenetic location: 17p11.2.
Variant type: single nucleotide variant.
Coding change: c.9949-10C>T on transcript NM_016239.4 (MANE Select); 10 bases into the intron before coding-DNA position 9949, C replaced by T.
Molecular consequence: intron variant.
Genome position (GRCh38, 1-based): chr17:18,167,580, C>T. VCF-style: chr17-18167580-C-T. GRCh37 (hg19) VCF-style: chr17-18070894-C-T.
Other names: c.9949-10C>T (NM_016239.3).
Identifiers: ClinVar variation 2724449 (VCV002724449.6), dbSNP rs372966137, ClinGen allele CA8425754.